The following is an entry in ClinVar:

NM_024665.7(TBL1XR1):c.226C>T (p.Arg76Ter)

Gene: TBL1XR1 (TBL1X/Y related 1; minus strand). Cytogenetic location: 3q26.32.
Variant type: single nucleotide variant.
Coding change: c.226C>T on transcript NM_024665.7 (MANE Select); coding-DNA position 226, C replaced by T.
Protein change: p.Arg76Ter; replaces arginine 76 with a stop codon.
Molecular consequence: nonsense. On other transcripts: 5 prime UTR variant (2).
Genome position (GRCh38, 1-based): chr3:177,051,705, G>A on the plus strand (C>T on the coding strand, the complement: TBL1XR1 is on the minus strand). VCF-style: chr3-177051705-G-A. GRCh37 (hg19) VCF-style: chr3-176769493-G-A.
Other names: c.226C>T, p.Arg76Ter (NM_001321193.3, NM_001321194.3, NM_001374327.1 and 2 more transcripts); c.-36C>T (NM_001321195.3, NM_001374330.1); c.226C>T (NM_024665.4); short protein forms R76*.
Identifiers: ClinVar variation 802023 (VCV000802023.5), dbSNP rs1577029680, ClinGen allele CA355553462.

ClinVar aggregate classification (germline): Pathogenic/Likely pathogenic. Review status: criteria provided, multiple submitters, no conflicts (2 of 4 stars). 4 submissions from 4 submitters: Pathogenic (3); Likely pathogenic (1). Last evaluated 2024-08-01.

Conditions:
Pierpont syndrome (PRPTS). Identifiers: Orphanet 487825, MedGen C1865644, MONDO:0011213, OMIM 602342.

Submissions (4):

3billion
Classification: Pathogenic for Pierpont syndrome. Last evaluated: 2024-08-01. Review status: criteria provided, single submitter. Criteria: ACMG Guidelines, 2015. Collection method: clinical testing. Allele origin: germline. Affected: yes.
Comment: The variant is not observed in the gnomAD v4.0.0 dataset. Predicted Consequence/Location: Stop-gained (nonsense): predicted to result in a loss or disruption of normal protein function through nonsense-mediated decay (NMD) or protein truncation. Multiple pathogenic variants are reported downstream of the variant. The variant has been previously reported as de novo in a similarly affected individual (N/A). The variant has been reported at least twice as pathogenic with clinical assertions and evidence for the classification (ClinVar ID: VCV000802023 /PMID: 36703223). Therefore, this variant is classified as Pathogenic according to the recommendation of ACMG/AMP guideline.

GeneDx
Classification: Pathogenic. Last evaluated: 2023-02-10. Review status: criteria provided, single submitter. Criteria: GeneDx Variant Classification Process June 2021. Collection method: clinical testing. Allele origin: germline. Affected: yes.
Comment: Nonsense variant predicted to result in protein truncation or nonsense mediated decay in a gene for which loss of function is a known mechanism of disease; Not observed at significant frequency in large population cohorts (gnomAD); Has not been previously published as pathogenic or benign to our knowledge

Dubai Health Genomic Medicine Center, Dubai Health
Classification: Pathogenic for Pierpont syndrome. Last evaluated: 2020-05-31. Review status: criteria provided, single submitter. Criteria: ACMG Guidelines, 2015. Collection method: clinical testing. Allele origin: germline. Affected: yes.
Comment: The p.Arg76* variant in TBL1XR1 has been previously submitted to ClinVar as Likely Pathogenic (ClinVar ID: SCV001136633.1) but is absent from large population studies such as the Genome Aggregation Database (gnomAD) and the Greater Middle East (GME) Variome Database. This nonsense variant leads to a premature termination codon at position 76 which is predicted to lead to a truncated or absent protein. The affected exon is found on most (3 out of 4) TBL1XR1 transcripts where at least one other de novo missense variant has been reported in one case with West Syndrome and autistic features (PMID: 25102098). The TBL1XR1 gene is intolerant to missense and loss of function variants in the general population (gnomAD) and the variant here is de novo. In summary this variant meets our criteria to be classified as pathogenic.

Mendelics
Classification: Likely pathogenic for Pierpont syndrome. Last evaluated: 2019-05-28. Review status: criteria provided, single submitter. Criteria: Mendelics Assertion Criteria 2017. Collection method: clinical testing. Allele origin: unknown.

Literature cited by the submitters: PubMed 36703223 (cited by 3billion).